The following is an entry in ClinVar:

ClinVar aggregate classification (germline): Uncertain significance (0 of 4 stars; one submission).

Conditions:
SH2B1-related disorder. Also called: SH2B1-related condition.

Submission:

PreventionGenetics, part of Exact Sciences
Classification: Uncertain significance for SH2B1-related condition. Last evaluated: 2024-05-09. Review status: no assertion criteria provided. Collection method: clinical testing. Allele origin: germline.
Comment: The SH2B1 c.1423dupC variant is predicted to result in a frameshift and premature protein termination (p.Arg475Profs*5). The SH2B1 gene variant c.1423dupC is predicted to result in premature protein termination (p.Arg475Profs*5). To our knowledge, this variant has not been reported in the literature. This variant is reported in 0.0036% of alleles in individuals of European (Non-Finnish) descent in gnomAD. Although we suspect that this variant may be pathogenic, at this time, the clinical significance of this variant is uncertain due to the absence of conclusive functional and genetic evidence.

NM_001387430.1(SH2B1):c.1423dup (p.Arg475fs)

Gene: SH2B1 (SH2B adaptor protein 1; plus strand). Cytogenetic location: 16p11.2.
Variant type: Duplication.
Coding change: c.1423dup on transcript NM_001387430.1 (MANE Select); coding-DNA position 1423, one base duplicated (C; older notation c.1423dupC).
Protein change: p.Arg475fs; shifts the reading frame from arginine 475.
Molecular consequence: frameshift variant.
Genome position (GRCh38, 1-based): chr16:28,871,893, C duplicated; the last of 7 consecutive C bases (chr16:28,871,887-28,871,893); duplicating any one gives the same sequence. VCF-style (leftmost placement, unchanged base first): chr16-28871886-G-GC. GRCh37 (hg19) VCF-style: chr16-28883207-G-GC.
Other names: c.1423dup, p.Arg475fs (NM_001145795.2, NM_001145796.2, NM_001145797.2 and 4 more transcripts); c.415dup, p.Arg139fs (NM_001308294.2); short protein forms R139fs, R475fs.
Identifiers: ClinVar variation 3355258 (VCV003355258.1).
Genomic context (GRCh38, chr16:28,871,886, plus strand): 5'-CAGCTCTGCCTCCATTGCCGCCTCCCATTTTGACTCGATGGAACTGCTTCCCCCAGAGTT[G>GC]CCCCCCCGCATCCCCATTGAAGAGGGACCCCCAACAGGGACAGTTCATCCCCTCTCAGCC-3'